The following is an entry in ClinVar:

NM_000051.4(ATM):c.6401C>G (p.Ser2134Cys)

Genes: ATM (ATM serine/threonine kinase; plus strand), C11orf65 (chromosome 11 open reading frame 65; minus strand). Cytogenetic location: 11q22.3.
Variant type: single nucleotide variant.
Coding change: c.6401C>G on transcript NM_000051.4 (MANE Select); coding-DNA position 6401, C replaced by G.
Protein change: p.Ser2134Cys; replaces serine 2134 with cysteine.
Molecular consequence: missense variant. On other transcripts: intron variant (2).
Genome position (GRCh38, 1-based): chr11:108,320,007, C>G. VCF-style: chr11-108320007-C-G. GRCh37 (hg19) VCF-style: chr11-108190734-C-G.
Other names: c.6401C>G, p.Ser2134Cys (NM_001351834.2); c.641-10936G>C (NM_001330368.2); c.*39-10936G>C (NM_001351110.2); short protein forms S2134C.
Identifiers: ClinVar variation 1338072 (VCV001338072.7), dbSNP rs2136220770, ClinGen allele CA382553384.
Genomic context (GRCh38, chr11:108,320,007, plus strand): 5'-CTCACAGCAAAGAAGTAGAAGGAACCAGTTACCATGAATCATTGTACAATGCTCTACAAT[C>G]TCTAAGAGACAGAGAATTCTCTACATTTTATGAAAGTCTCAAATATGCCAGGTATTATGA-3'
Protein context (NP_000042.3, residues 2124-2144): YHESLYNALQ[Ser2134Cys]LRDREFSTFY

ClinVar aggregate classification (germline): Uncertain significance. Review status: criteria provided, multiple submitters, no conflicts (2 of 4 stars). 3 submissions from 3 submitters: Uncertain significance (3). Last evaluated 2025-02-09.

Conditions:
Hereditary cancer-predisposing syndrome. Also called: Tumor predisposition; Neoplastic Syndromes, Hereditary; Hereditary Cancer Syndrome; Hereditary neoplastic syndrome. Identifiers: Orphanet 140162, MedGen C0027672, MeSH D009386, MONDO:0015356.

Submissions (3):

Quest Diagnostics Nichols Institute San Juan Capistrano
Classification: Uncertain significance. Last evaluated: 2025-02-09. Review status: criteria provided, single submitter. Criteria: Quest Diagnostics criteria. Collection method: clinical testing. Allele origin: unknown.

Genetic Services Laboratory, University of Chicago
Classification: Uncertain significance. Last evaluated: 2021-09-17. Review status: criteria provided, single submitter. Criteria: ACMG Guidelines, 2015. Collection method: clinical testing. Allele origin: germline. Affected: no.
Comment: DNA sequence analysis of the ATM gene demonstrated a sequence change, c.6401C>G, in exon 44 that results in an amino acid change, p.Ser2134Cys. This sequence change does not appear to have been previously described in individuals with ATM-related disorders. This sequence change is absent in the gnomAD population database. The p.Ser2134Cys change affects a moderately conserved amino acid residue located in a domain of the ATM protein that is known to be functional. The p.Ser2134Cys substitution appears to be benign using several in-silico pathogenicity prediction tools (SIFT, PolyPhen2, Align GVGD, REVEL). Due to the lack of sufficient evidence, the clinical significance of the p.Ser2134Cys change remains unknown at this time.

Ambry Genetics
Classification: Uncertain significance for Hereditary cancer-predisposing syndrome. Last evaluated: 2017-06-06. Review status: criteria provided, single submitter. Criteria: Ambry Variant Classification Scheme 2023. Collection method: clinical testing. Allele origin: germline.
Comment: The p.S2134C variant (also known as c.6401C>G), located in coding exon 43 of the ATM gene, results from a C to G substitution at nucleotide position 6401. The serine at codon 2134 is replaced by cysteine, an amino acid with dissimilar properties. This amino acid position is not well conserved in available vertebrate species. In addition, this alteration is predicted to be tolerated by in silico analysis. Since supporting evidence is limited at this time, the clinical significance of this alteration remains unclear.